The following is an entry in ClinVar:

ClinVar aggregate classification (germline): Likely benign (1 of 4 stars; one submission).

Conditions:
PCSK1-related disorder. Also called: PCSK1-related condition.

Submission:

PreventionGenetics, part of Exact Sciences
Classification: Likely benign for PCSK1-related condition. Last evaluated: 2025-08-01. Review status: criteria provided, single submitter. Criteria: ACMG Guidelines, 2015. Collection method: clinical testing. Allele origin: germline.
Comment: This variant is classified as likely benign based on ACMG/AMP sequence variant interpretation guidelines (Richards et al. 2015 PMID: 25741868, with internal and published modifications).

NM_000439.5(PCSK1):c.528C>T (p.Asp176=)

Genes: CAST (calpastatin; plus strand), PCSK1 (proprotein convertase subtilisin/kexin type 1; minus strand), LOC101929710 (uncharacterized LOC101929710; plus strand). Cytogenetic location: 5q15.
Variant type: single nucleotide variant.
Coding change: c.528C>T on transcript NM_000439.5 (MANE Select); coding-DNA position 528, C replaced by T.
Protein change: p.Asp176=; no amino-acid change (aspartic acid 176 retained).
Molecular consequence: synonymous variant. On other transcripts: intron variant (11).
Genome position (GRCh38, 1-based): chr5:96,423,328, G>A on the plus strand (C>T on the coding strand, the complement: PCSK1 is on the minus strand). VCF-style: chr5-96423328-G-A. GRCh37 (hg19) VCF-style: chr5-95759032-G-A.
Other names: c.387C>T, p.Asp129= (NM_001177875.2); c.-175+43676G>A (NM_001423254.1, NM_001423259.1, NM_001423255.1 and 6 more transcripts); c.-103+43676G>A (NM_001423253.1); c.-40+43676G>A (NM_001423258.1).
Identifiers: ClinVar variation 5000968 (VCV005000968.1).